The following is an entry in ClinVar:

ClinVar aggregate classification (germline): Likely benign (1 of 4 stars; one submission).

Allele frequency attached by ClinVar (database versions not stated): gnomAD 0.00001 and 0.00002; gnomAD exomes 0.00002 and 0.00005; TOPMed 0.00003.
gnomAD v4.1: 76 of 1,613,698 alleles (0.0047%); highest among the groups gnomAD compares: Non-Finnish European, 0.0062%; no homozygotes.

Submission:

GeneDx
Classification: Likely benign. Last evaluated: 2018-01-31. Review status: criteria provided, single submitter. Criteria: GeneDx Variant Classification (06012015). Collection method: clinical testing. Allele origin: germline. Affected: yes.
Comment: This variant is considered likely benign or benign based on one or more of the following criteria: it is a conservative change, it occurs at a poorly conserved position in the protein, it is predicted to be benign by multiple in silico algorithms, and/or has population frequency not consistent with disease.

NM_001004127.3(ALG11):c.696A>T (p.Val232=)

Gene: ALG11 (ALG11 alpha-1,2-mannosyltransferase; plus strand). Cytogenetic location: 13q14.3.
Variant type: single nucleotide variant.
Coding change: c.696A>T on transcript NM_001004127.3 (MANE Select); coding-DNA position 696, A replaced by T.
Protein change: p.Val232=; no amino-acid change (valine 232 retained).
Molecular consequence: synonymous variant.
Genome position (GRCh38, 1-based): chr13:52,024,426, A>T. VCF-style: chr13-52024426-A-T. GRCh37 (hg19) VCF-style: chr13-52598562-A-T.
Identifiers: ClinVar variation 508964 (VCV000508964.1), dbSNP rs901155226, ClinGen allele CA250066040.